The following is an entry in ClinVar:

ClinVar aggregate classification (germline): Conflicting classifications of pathogenicity. Review status: criteria provided, conflicting classifications (1 of 4 stars). 2 submissions from 2 submitters: Uncertain significance (1); Likely benign (1). Last evaluated 2023-12-13.

Conditions:
Hereditary cancer-predisposing syndrome. Also called: Neoplastic Syndromes, Hereditary; Tumor predisposition; Hereditary neoplastic syndrome; Hereditary Cancer Syndrome. Identifiers: Orphanet 140162, MedGen C0027672, MeSH D009386, MONDO:0015356.
Multiple endocrine neoplasia, type 2 (MEN2). Identifiers: Orphanet 653, MedGen C4048306, MONDO:0019003. Disease mechanism: gain of function.

Allele frequency attached by ClinVar (database versions not stated): gnomAD exomes below 0.00001.
gnomAD v4.1: 1 of 1,614,262 alleles (0.000062%); highest among the groups gnomAD compares: Non-Finnish European, 0.000085%; no homozygotes.

Submissions (2):

Ambry Genetics
Classification: Likely benign for Hereditary cancer-predisposing syndrome. Last evaluated: 2023-12-13. Review status: criteria provided, single submitter. Criteria: Ambry Variant Classification Scheme 2023. Collection method: clinical testing. Allele origin: germline.

Labcorp Genetics (formerly Invitae), Labcorp
Classification: Uncertain significance for Multiple endocrine neoplasia, type 2. Last evaluated: 2021-11-10. Review status: criteria provided, single submitter. Criteria: Invitae Variant Classification Sherloc (09022015). Collection method: clinical testing. Allele origin: germline.
Comment: This sequence change replaces alanine, which is neutral and non-polar, with valine, which is neutral and non-polar, at codon 156 of the RET protein (p.Ala156Val). This variant is not present in population databases (gnomAD no frequency). This variant has not been reported in the literature in individuals affected with RET-related conditions. ClinVar contains an entry for this variant (Variation ID: 825089). Algorithms developed to predict the effect of missense changes on protein structure and function output the following: SIFT: "Tolerated"; PolyPhen-2: "Benign"; Align-GVGD: "Class C0". The valine amino acid residue is found in multiple mammalian species, which suggests that this missense change does not adversely affect protein function. In summary, the available evidence is currently insufficient to determine the role of this variant in disease. Therefore, it has been classified as a Variant of Uncertain Significance.

NM_020975.6(RET):c.467C>T (p.Ala156Val)

Gene: RET (ret proto-oncogene; plus strand). Cytogenetic location: 10q11.21.
Variant type: single nucleotide variant.
Coding change: c.467C>T on transcript NM_020975.6 (MANE Select); coding-DNA position 467, C replaced by T.
Protein change: p.Ala156Val; replaces alanine 156 with valine.
Molecular consequence: missense variant.
Genome position (GRCh38, 1-based): chr10:43,102,471, C>T. VCF-style: chr10-43102471-C-T. GRCh37 (hg19) VCF-style: chr10-43597919-C-T.
Other names: c.467C>T, p.Ala156Val (NM_000323.2, NM_001406743.1, NM_001406744.1 and 16 more transcripts); c.338C>T, p.Thr113Ile (NM_001406761.1, NM_001406762.1, NM_001406764.1 and 4 more transcripts); short protein forms A156V, T113I.
Identifiers: ClinVar variation 825089 (VCV000825089.11), dbSNP rs1588864039, ClinGen allele CA376770894.
Genomic context (GRCh38, chr10:43,102,471, plus strand): 5'-AGTGCCAGTGGCCAGGCTGTGCCCGCGTATACTTCTCCTTCTTCAACACCTCCTTTCCAG[C>T]CTGCAGCTCCCTCAAGCCCCGGGAGCTCTGCTTCCCAGAGACAAGGCCCTCCTTCCGCAT-3'
Protein context (NP_066124.1, residues 146-166): YFSFFNTSFP[Ala156Val]CSSLKPRELC